The following is an entry in ClinVar:

ClinVar aggregate classification (germline): Uncertain significance (1 of 4 stars; one submission).

Conditions:
Hyperlipoproteinemia, type I. Also called: HYPERLIPOPROTEINEMIA, TYPE IA; LPL DEFICIENCY; Lipase D deficiency; Familial Lipoprotein Lipase Deficiency; Familial hyperlipo-proteinemia type 1; Hyperlipemia essential familial. Identifiers: Orphanet 309015, Orphanet 444490, MedGen C0023817, MONDO:0009387, OMIM 238600. Disease mechanism: loss of function.

Submission:

3billion
Classification: Uncertain significance for Hyperlipoproteinemia, type I. Last evaluated: 2023-02-23. Review status: criteria provided, single submitter. Criteria: ACMG Guidelines, 2015. Collection method: clinical testing. Allele origin: unknown. Affected: yes.
Comment: The variant is not observed in the gnomAD v2.1.1 dataset. Missense changes are a common disease-causing mechanism. In silico tool predictions suggest damaging effect of the variant on gene or gene product (REVEL: 0.81; 3Cnet: 0.98). A different missense change at the same codon (p.Pro184Arg) has been reported to be associated with LPL related disorder (PMID: 1521525). However the evidence of pathogenicity is insufficient at this time. Therefore, this variant is classified as VUS according to the recommendation of ACMG/AMP guideline.

Literature cited by the submitters: PubMed 1521525.

NM_000237.3(LPL):c.550C>T (p.Pro184Ser)

Gene: LPL (lipoprotein lipase; plus strand). Cytogenetic location: 8p21.3.
Variant type: single nucleotide variant.
Coding change: c.550C>T on transcript NM_000237.3 (MANE Select); coding-DNA position 550, C replaced by T.
Protein change: p.Pro184Ser; replaces proline 184 with serine.
Molecular consequence: missense variant.
Genome position (GRCh38, 1-based): chr8:19,954,128, C>T. VCF-style: chr8-19954128-C-T. GRCh37 (hg19) VCF-style: chr8-19811639-C-T.
Other names: short protein forms P184S.
Identifiers: ClinVar variation 2444152 (VCV002444152.1), dbSNP rs2540105660, ClinGen allele CA370468270.
Genomic context (GRCh38, chr8:19,954,128, plus strand): 5'-TCATACGAATGGAAATTTACAAATCTGTGTTCCTGCTTTTTTCCCTTTTAAGGCCTCGAT[C>T]CAGCTGGACCTAACTTTGAGTATGCAGAAGCCCCGAGTCGTCTTTCTCCTGATGATGCAG-3'
Protein context (NP_000228.1, residues 174-194): KKVNRITGLD[Pro184Ser]AGPNFEYAEA